The following is an entry in ClinVar:

ClinVar aggregate classification (germline): Uncertain significance. Review status: criteria provided, multiple submitters, no conflicts (2 of 4 stars). 4 submissions from 4 submitters: Uncertain significance (4). Last evaluated 2025-02-09.

Conditions:
Lethal congenital glycogen storage disease of heart. Also called: PHOSPHORYLASE KINASE DEFICIENCY OF HEART; GLYCOGEN STORAGE DISEASE OF HEART. Identifiers: Orphanet 439854, MedGen C1849813, MONDO:0009867, OMIM 261740.
Cardiomyopathy (CMYO). Also called: Cardiomyopathies. Identifiers: Orphanet 167848, MedGen C0878544, MONDO:0004994, HP:0001638. Inheritance: Various modes of inheritance.
Cardiovascular phenotype. Identifiers: MedGen CN230736.
Hypertrophic cardiomyopathy. Also called: HYPERTROPHIC MYOCARDIOPATHY. Identifiers: Orphanet 217569, MedGen C0007194, MeSH D002312, MONDO:0005045, HP:0001639.

Allele frequency attached by ClinVar (database versions not stated): TOPMed below 0.00001; gnomAD 0.00001; gnomAD exomes 0.00001; ESP Exome Variant Server 0.00008.
gnomAD v4.1: 4 of 1,613,822 alleles (0.00025%); highest among the groups gnomAD compares: Non-Finnish European, 0.00034%; no homozygotes.

Submissions (4):

Ambry Genetics
Classification: Uncertain significance for Cardiovascular phenotype. Last evaluated: 2025-02-09. Review status: criteria provided, single submitter. Criteria: Ambry Variant Classification Scheme 2023. Collection method: clinical testing. Allele origin: germline.
Comment: The p.P92H variant (also known as c.275C>A), located in coding exon 3 of the PRKAG2 gene, results from a C to A substitution at nucleotide position 275. The proline at codon 92 is replaced by histidine, an amino acid with similar properties. This amino acid position is conserved. In addition, the in silico prediction for this alteration is inconclusive. Based on the available evidence, the clinical significance of this variant remains unclear.

Color Diagnostics, LLC DBA Color Health
Classification: Uncertain significance for Cardiomyopathy. Last evaluated: 2024-03-06. Review status: criteria provided, single submitter. Criteria: ACMG Guidelines, 2015. Collection method: clinical testing. Allele origin: germline.
Comment: This missense variant replaces proline with histidine at codon 92 of the PRKAG2 protein. Computational prediction is inconclusive regarding the impact of this variant on protein structure and function (internally defined REVEL score threshold 0.5 < inconclusive < 0.7, PMID: 27666373). To our knowledge, functional studies have not been reported for this variant. This variant has not been reported in individuals affected with cardiovascular disorders in the literature. This variant has been identified in 2/249692 chromosomes in the general population by the Genome Aggregation Database (gnomAD). The available evidence is insufficient to determine the role of this variant in disease conclusively. Therefore, this variant is classified as a Variant of Uncertain Significance.

All of Us Research Program, National Institutes of Health
Classification: Uncertain significance for Hypertrophic cardiomyopathy. Last evaluated: 2023-12-13. Review status: criteria provided, single submitter. Criteria: ACMG Guidelines, 2015. Collection method: clinical testing. Allele origin: germline. Inheritance: Autosomal dominant inheritance. Observed: 1 variant allele, 1 heterozygote.
Comment: This missense variant replaces proline with histidine at codon 92 of the PRKAG2 protein. Computational prediction is inconclusive regarding the impact of this variant on protein structure and function (internally defined REVEL score threshold 0.5 < inconclusive < 0.7, PMID: 27666373). To our knowledge, functional studies have not been reported for this variant. This variant has not been reported in individuals affected with cardiovascular disorders in the literature. This variant has been identified in 2/249692 chromosomes in the general population by the Genome Aggregation Database (gnomAD). The available evidence is insufficient to determine the role of this variant in disease conclusively. Therefore, this variant is classified as a Variant of Uncertain Significance.

This study involves interpretation of variants in research participants for the purpose of population health screening. Participant phenotype was not available at the time of variant classification. Additional details can be found in publication PMID: 35346344, PMCID: PMC8962531

Labcorp Genetics (formerly Invitae), Labcorp
Classification: Uncertain significance for Lethal congenital glycogen storage disease of heart. Last evaluated: 2022-03-18. Review status: criteria provided, single submitter. Criteria: Invitae Variant Classification Sherloc (09022015). Collection method: clinical testing. Allele origin: germline.
Comment: This sequence change replaces proline, which is neutral and non-polar, with histidine, which is basic and polar, at codon 92 of the PRKAG2 protein (p.Pro92His). This variant is present in population databases (rs375398155, gnomAD 0.002%). This variant has not been reported in the literature in individuals affected with PRKAG2-related conditions. ClinVar contains an entry for this variant (Variation ID: 936360). Algorithms developed to predict the effect of missense changes on protein structure and function are either unavailable or do not agree on the potential impact of this missense change (SIFT: "Tolerated"; PolyPhen-2: "Probably Damaging"; Align-GVGD: "Class C0"). In summary, the available evidence is currently insufficient to determine the role of this variant in disease. Therefore, it has been classified as a Variant of Uncertain Significance.

NM_016203.4(PRKAG2):c.275C>A (p.Pro92His)

Gene: PRKAG2 (protein kinase AMP-activated non-catalytic subunit gamma 2; minus strand). Cytogenetic location: 7q36.1.
Variant type: single nucleotide variant.
Coding change: c.275C>A on transcript NM_016203.4 (MANE Select); coding-DNA position 275, C replaced by A.
Protein change: p.Pro92His; replaces proline 92 with histidine.
Molecular consequence: missense variant.
Genome position (GRCh38, 1-based): chr7:151,781,343, G>T on the plus strand (C>A on the coding strand, the complement: PRKAG2 is on the minus strand). VCF-style: chr7-151781343-G-T. GRCh37 (hg19) VCF-style: chr7-151478429-G-T.
Other names: c.143C>A, p.Pro48His (NM_001040633.2); short protein forms P48H, P92H.
Identifiers: ClinVar variation 936360 (VCV000936360.11), dbSNP rs375398155, ClinGen allele CA169172012.